The following is an entry in ClinVar:

NM_000368.5(TSC1):c.2830G>T (p.Ala944Ser)

Gene: TSC1 (TSC complex subunit 1; minus strand). Cytogenetic location: 9q34.13.
Variant type: single nucleotide variant.
Coding change: c.2830G>T on transcript NM_000368.5 (MANE Select); coding-DNA position 2830, G replaced by T.
Protein change: p.Ala944Ser; replaces alanine 944 with serine.
Molecular consequence: missense variant.
Genome position (GRCh38, 1-based): chr9:132,897,329, C>A on the plus strand (G>T on the coding strand, the complement: TSC1 is on the minus strand). VCF-style: chr9-132897329-C-A. GRCh37 (hg19) VCF-style: chr9-135772716-C-A.
Other names: c.2827G>T, p.Ala943Ser (NM_001162426.2); c.2677G>T, p.Ala893Ser (NM_001162427.2); c.2467G>T, p.Ala823Ser (NM_001362177.2); short protein forms A823S, A893S, A943S, A944S.
Identifiers: ClinVar variation 1002691 (VCV001002691.12), dbSNP rs751362258, ClinGen allele CA375368918.

ClinVar aggregate classification (germline): Uncertain significance. Review status: criteria provided, multiple submitters, no conflicts (2 of 4 stars). 5 submissions from 5 submitters: Uncertain significance (5). Last evaluated 2024-03-26.

Conditions:
Tuberous sclerosis syndrome (TSC). Also called: Tuberous sclerosis; Tuberous Sclerosis Complex. Identifiers: Orphanet 805, MedGen C0041341, MONDO:0001734.
Isolated focal cortical dysplasia type II (FCORD2). Also called: Focal cortical dysplasia type II; CORTICAL DYSPLASIA OF TAYLOR. Identifiers: Orphanet 268994, MedGen C1846385, MONDO:0011818, OMIM 607341, HP:0032051.
Hereditary cancer-predisposing syndrome. Also called: Hereditary neoplastic syndrome; Neoplastic Syndromes, Hereditary; Tumor predisposition; Hereditary Cancer Syndrome. Identifiers: Orphanet 140162, MedGen C0027672, MeSH D009386, MONDO:0015356.
Tuberous sclerosis 1 (TSC1). Identifiers: Orphanet 805, MedGen C1854465, MONDO:0008612, OMIM 191100.

gnomAD v4.1: 2 of 1,614,186 alleles (0.00012%); highest among the groups gnomAD compares: Non-Finnish European, 0.00017%; no homozygotes.

Submissions (5):

GeneDx
Classification: Uncertain significance. Last evaluated: 2024-03-26. Review status: criteria provided, single submitter. Criteria: GeneDx Variant Classification Process June 2021. Collection method: clinical testing. Allele origin: germline. Affected: yes.
Comment: Not observed at significant frequency in large population cohorts (gnomAD); In silico analysis supports that this missense variant does not alter protein structure/function; Has not been previously published as pathogenic or benign to our knowledge; This variant is associated with the following publications: (PMID: 18466115)

Labcorp Genetics (formerly Invitae), Labcorp
Classification: Uncertain significance for Tuberous sclerosis 1. Last evaluated: 2024-02-23. Review status: criteria provided, single submitter. Criteria: Invitae Variant Classification Sherloc (09022015). Collection method: clinical testing. Allele origin: germline.
Comment: This sequence change replaces alanine, which is neutral and non-polar, with serine, which is neutral and polar, at codon 944 of the TSC1 protein (p.Ala944Ser). This variant is not present in population databases (gnomAD no frequency). This variant has not been reported in the literature in individuals affected with TSC1-related conditions. ClinVar contains an entry for this variant (Variation ID: 1002691). Advanced modeling of protein sequence and biophysical properties (such as structural, functional, and spatial information, amino acid conservation, physicochemical variation, residue mobility, and thermodynamic stability) performed at Invitae indicates that this missense variant is not expected to disrupt TSC1 protein function with a negative predictive value of 95%. In summary, the available evidence is currently insufficient to determine the role of this variant in disease. Therefore, it has been classified as a Variant of Uncertain Significance.

Ambry Genetics
Classification: Uncertain significance for Hereditary cancer-predisposing syndrome. Last evaluated: 2024-02-20. Review status: criteria provided, single submitter. Criteria: Ambry Variant Classification Scheme 2023. Collection method: clinical testing. Allele origin: germline.
Comment: The p.A944S variant (also known as c.2830G>T), located in coding exon 20 of the TSC1 gene, results from a G to T substitution at nucleotide position 2830. The alanine at codon 944 is replaced by serine, an amino acid with similar properties. This amino acid position is not well conserved in available vertebrate species. In addition, this alteration is predicted to be tolerated by in silico analysis. Since supporting evidence is limited at this time, the clinical significance of this alteration remains unclear.

All of Us Research Program, National Institutes of Health
Classification: Uncertain significance for Tuberous sclerosis syndrome. Last evaluated: 2024-01-11. Review status: criteria provided, single submitter. Criteria: ACMG Guidelines, 2015. Collection method: clinical testing. Allele origin: germline. Inheritance: Autosomal dominant inheritance. Observed: 1 variant allele, 1 heterozygote.
Comment: This study involves interpretation of variants in research participants for the purpose of population health screening. Participant phenotype was not available at the time of variant classification. Additional details can be found in publication PMID: 35346344, PMCID: PMC8962531

Baylor Genetics
Classification: Uncertain significance for Isolated focal cortical dysplasia type II. Last evaluated: 2023-09-21. Review status: criteria provided, single submitter. Criteria: ACMG Guidelines, 2015. Collection method: clinical testing. Allele origin: unknown.